The following is an entry in ClinVar:

ClinVar aggregate classification (germline): Likely pathogenic (1 of 4 stars; one submission).

Conditions:
Autosomal recessive limb-girdle muscular dystrophy type 2B (LGMDR2). Also called: MUSCULAR DYSTROPHY, LIMB-GIRDLE, TYPE 3; MUSCULAR DYSTROPHY, LIMB-GIRDLE, AUTOSOMAL RECESSIVE 2; Limb-Girdle Muscular Dystrophy Type 2B (LGMD2B); Limb-girdle muscular dystrophy, type 2B. Identifiers: Orphanet 268, MedGen C1850889, MONDO:0009676, OMIM 253601.

Submission:

Natera, Inc.
Classification: Likely pathogenic for Limb-girdle muscular dystrophy type 2B. Last evaluated: 2024-10-15. Review status: criteria provided, single submitter. Criteria: Natera Variant Classification Schema (03/2026). Collection method: clinical testing. Allele origin: germline.
Comment: The c.5497dup variant in DYSF is a frameshift variant predicted to shift the reading frame beginning at codon 1833 and leads to a stop codon 16 codons downstream. This variant is expected to result in nonsense mediated decay, truncation, or a dysfunctional protein product. This variant is rare in the general population with a frequency below the threshold expected for the associated phenotype(s). Given the available evidence, this variant is classified as Likely Pathogenic.

NM_001130987.2(DYSF):c.5614dup (p.Glu1872fs)

Gene: DYSF (dysferlin; plus strand). Cytogenetic location: 2p13.2.
Variant type: Duplication.
Coding change: c.5614dup on transcript NM_001130987.2 (MANE Select); coding-DNA position 5614, one base duplicated (G; older notation c.5614dupG).
Protein change: p.Glu1872fs; shifts the reading frame from glutamic acid 1872.
Molecular consequence: frameshift variant.
Genome position (GRCh38, 1-based): chr2:71,669,179, G duplicated; the last of 5 consecutive G bases (chr2:71,669,175-71,669,179); duplicating any one gives the same sequence. VCF-style (leftmost placement, unchanged base first): chr2-71669174-C-CG. GRCh37 (hg19) VCF-style: chr2-71896304-C-CG.
Other names: c.5500dup, p.Glu1834fs (NM_001130455.2); c.5455dup, p.Glu1819fs (NM_001130976.2); c.5518dup, p.Glu1840fs (NM_001130977.2); c.5560dup, p.Glu1854fs (NM_001130978.2); c.5590dup, p.Glu1864fs (NM_001130979.2); c.5548dup, p.Glu1850fs (NM_001130980.2); c.5611dup, p.Glu1871fs (NM_001130981.2); c.5593dup, p.Glu1865fs (NM_001130982.2); and 5 more; short protein forms E1819fs, E1820fs, E1833fs, E1834fs, E1840fs, E1841fs, E1850fs, E1851fs.
Identifiers: ClinVar variation 4815155 (VCV004815155.1).